The following is an entry in ClinVar:

NM_001394807.1(ADPRHL1):c.2907G>A (p.Arg969=)

Gene: ADPRHL1 (ADP-ribosylhydrolase like 1; minus strand). Cytogenetic location: 13q34.
Variant type: single nucleotide variant.
Coding change: c.2907G>A on transcript NM_001394807.1 (MANE Select); coding-DNA position 2907, G replaced by A.
Protein change: p.Arg969=; no amino-acid change (arginine 969 retained).
Molecular consequence: synonymous variant.
Genome position (GRCh38, 1-based): chr13:113,406,375, C>T on the plus strand (G>A on the coding strand, the complement: ADPRHL1 is on the minus strand). VCF-style: chr13-113406375-C-T. GRCh37 (hg19) VCF-style: chr13-114060690-C-T.
Other names: c.1815G>A, p.Arg605= (NM_001304433.1, NM_001375393.1).
Identifiers: ClinVar variation 2644004 (VCV002644004.24), dbSNP rs920223793, ClinGen allele CA257192071.

ClinVar aggregate classification (germline): Likely benign (1 of 4 stars; one submission).

Allele frequency attached by ClinVar (database versions not stated): TOPMed 0.00450.

Submission:

CeGaT Center for Human Genetics Tuebingen
Classification: Likely benign. Last evaluated: 2022-08-01. Review status: criteria provided, single submitter. Criteria: CeGaT Center For Human Genetics Tuebingen Variant Classification Criteria Version 2. Collection method: clinical testing. Allele origin: germline. Affected: yes. Observed: 2 variant alleles.
Comment: ADPRHL1: PM2:Supporting, BP4, BP7